The following is an entry in ClinVar:

NM_001371986.1(UNC80):c.1987G>A (p.Val663Ile)

Gene: UNC80 (unc-80 subunit of NALCN channel complex; plus strand). Cytogenetic location: 2q34.
Variant type: single nucleotide variant.
Coding change: c.1987G>A on transcript NM_001371986.1 (MANE Select); coding-DNA position 1987, G replaced by A.
Protein change: p.Val663Ile; replaces valine 663 with isoleucine.
Molecular consequence: missense variant.
Genome position (GRCh38, 1-based): chr2:209,820,335, G>A. VCF-style: chr2-209820335-G-A. GRCh37 (hg19) VCF-style: chr2-210685059-G-A.
Other names: c.1987G>A, p.Val663Ile (NM_032504.2, NM_182587.4); short protein forms V663I.
Identifiers: ClinVar variation 4726845 (VCV004726845.1).

ClinVar aggregate classification (germline): Uncertain significance (1 of 4 stars; one submission).

Submission:

Labcorp Genetics (formerly Invitae), Labcorp
Classification: Uncertain significance. Last evaluated: 2025-09-16. Review status: criteria provided, single submitter. Criteria: Invitae Variant Classification Sherloc (09022015). Collection method: clinical testing. Allele origin: germline.
Comment: This sequence change replaces valine, which is neutral and non-polar, with isoleucine, which is neutral and non-polar, at codon 663 of the UNC80 protein (p.Val663Ile). This variant is not present in population databases (gnomAD no frequency). This variant has not been reported in the literature in individuals affected with UNC80-related conditions. An algorithm developed to predict the effect of missense changes on protein structure and function (PolyPhen-2) suggests that this variant is likely to be disruptive. In summary, the available evidence is currently insufficient to determine the role of this variant in disease. Therefore, it has been classified as a Variant of Uncertain Significance.